The following is an entry in ClinVar:

ClinVar aggregate classification (germline): Likely pathogenic (0 of 4 stars; one submission).

Conditions:
CAMTA1-related disorder. Also called: CAMTA1-related condition.

Submission:

PreventionGenetics, part of Exact Sciences
Classification: Likely pathogenic for CAMTA1-related condition. Last evaluated: 2024-06-26. Review status: no assertion criteria provided. Collection method: clinical testing. Allele origin: germline.
Comment: The CAMTA1 c.4363C>T variant is predicted to result in premature protein termination (p.Gln1455*). To our knowledge, this variant has not been reported in the literature or in a large population database, indicating this variant is rare. Nonsense variants in CAMTA1 are expected to be pathogenic. This variant is interpreted as likely pathogenic.

NM_015215.4(CAMTA1):c.4363C>T (p.Gln1455Ter)

Gene: CAMTA1 (calmodulin binding transcription activator 1; plus strand). Cytogenetic location: 1p36.23.
Variant type: single nucleotide variant.
Coding change: c.4363C>T on transcript NM_015215.4 (MANE Select); coding-DNA position 4363, C replaced by T.
Protein change: p.Gln1455Ter; replaces glutamine 1455 with a stop codon.
Molecular consequence: nonsense.
Genome position (GRCh38, 1-based): chr1:7,745,015, C>T. VCF-style: chr1-7745015-C-T. GRCh37 (hg19) VCF-style: chr1-7805075-C-T.
Other names: c.4273C>T, p.Gln1425Ter (NM_001349608.2); c.4024C>T, p.Gln1342Ter (NM_001349609.2, NM_001349610.2, NM_001410737.1); c.3934C>T, p.Gln1312Ter (NM_001349612.2); c.1492C>T, p.Gln498Ter (NM_001349613.1); c.1435C>T, p.Gln479Ter (NM_001349614.1, NM_001349615.2, NM_001349616.2 and 2 more transcripts); c.1096C>T, p.Gln366Ter (NM_001349619.2, NM_001349620.1, NM_001349621.1 and 5 more transcripts); c.3952C>T, p.Gln1318Ter (NM_001410738.1); short protein forms Q1312*, Q1318*, Q1342*, Q1425*, Q1455*, Q366*, Q479*, Q498*.
Identifiers: ClinVar variation 3346415 (VCV003346415.1).